The following is an entry in ClinVar:

NM_020163.3(SEMA3G):c.1663G>C (p.Gly555Arg)

Gene: SEMA3G (semaphorin 3G; minus strand). Cytogenetic location: 3p21.1.
Variant type: single nucleotide variant.
Coding change: c.1663G>C on transcript NM_020163.3 (MANE Select); coding-DNA position 1663, G replaced by C.
Protein change: p.Gly555Arg; replaces glycine 555 with arginine.
Molecular consequence: missense variant.
Genome position (GRCh38, 1-based): chr3:52,438,046, C>G on the plus strand (G>C on the coding strand, the complement: SEMA3G is on the minus strand). VCF-style: chr3-52438046-C-G. GRCh37 (hg19) VCF-style: chr3-52472062-C-G.
Other names: short protein forms G555R.
Identifiers: ClinVar variation 3346014 (VCV003346014.1).
Genomic context (GRCh38, chr3:52,438,046, plus strand): 5'-CCAGGCACTGCAGGGCAGGGTTGCCGTGCCGGATGTCCTGCCGGCGGAACCGGCGCTTGC[C>G]AAGGCTGGGGCGGTAGTGGGTACAGGAGGCACCATCCCAGGCACAGTATGGGTCCCGGGC-3'
Protein context (NP_064548.1, residues 545-565): ASCTHYRPSL[Gly555Arg]KRRFRRQDIR

ClinVar aggregate classification (germline): Uncertain significance (0 of 4 stars; one submission).

Conditions:
SEMA3G-related disorder. Also called: SEMA3G-related condition.

gnomAD v4.1: 3 of 1,613,088 alleles (0.00019%); highest among the groups gnomAD compares: African/African-American, 0.0027%; no homozygotes.

Submission:

PreventionGenetics, part of Exact Sciences
Classification: Uncertain significance for SEMA3G-related condition. Last evaluated: 2024-07-29. Review status: no assertion criteria provided. Collection method: clinical testing. Allele origin: germline.
Comment: The SEMA3G c.1663G>C variant is predicted to result in the amino acid substitution p.Gly555Arg. To our knowledge, this variant has not been reported in the literature or in gnomAD, indicating this variant is rare. At this time, the clinical significance of this variant is uncertain due to the absence of conclusive functional and genetic evidence.